The following is an entry in ClinVar:

NM_000111.3(SLC26A3):c.951_953del (p.Val318del)

Gene: SLC26A3 (solute carrier family 26 member 3; minus strand). Cytogenetic location: 7q22.3.
Variant type: Deletion.
Coding change: c.951_953del on transcript NM_000111.3 (MANE Select); coding-DNA positions 951 to 953, 3 bases deleted (GGT; older notation c.951_953delGGT).
Protein change: p.Val318del; deletes valine 318.
Molecular consequence: inframe deletion.
Genome position (GRCh38, 1-based): chr7:107,786,845-107,786,847, ACC deleted on the plus strand (GGT on the coding strand, the reverse complement: SLC26A3 is on the minus strand); deleting any 3 consecutive bases within chr7:107,786,845-107,786,849 gives the same sequence; the c. name uses the placement nearest the transcript's 3' end. VCF-style (leftmost placement, unchanged base first): chr7-107786844-AACC-A. GRCh37 (hg19) VCF-style: chr7-107427289-AACC-A.
Other names: c.951_953delGGT (NM_000111.3, NM_000111.2); short protein forms V318del.
Identifiers: ClinVar variation 16754 (VCV000016754.9), dbSNP rs386833491, ClinGen allele CA126850.

ClinVar aggregate classification (germline): Pathogenic. Review status: criteria provided, multiple submitters, no conflicts (2 of 4 stars). 6 submissions from 6 submitters: Pathogenic (3). 3 of the submissions do not count toward it. Last evaluated 2025-10-16.

Conditions:
Congenital secretory diarrhea, chloride type (DIAR1). Also called: CHLORIDE DIARRHEA, CONGENITAL, FINNISH TYPE; DIARRHEA 1, SECRETORY CHLORIDE, CONGENITAL; CHLORIDORRHEA, CONGENITAL. Identifiers: Orphanet 53689, MedGen C0267662, MONDO:0008964, OMIM 214700.

Submissions (6):

Labcorp Genetics (formerly Invitae), Labcorp
Classification: Pathogenic. Last evaluated: 2025-10-16. Review status: criteria provided, single submitter. Criteria: Invitae Variant Classification Sherloc (09022015). Collection method: clinical testing. Allele origin: germline.
Comment: This variant, c.951_953del, results in the deletion of 1 amino acid(s) of the SLC26A3 protein (p.Val318del), but otherwise preserves the integrity of the reading frame. This variant is present in population databases (rs386833491, gnomAD 0.5%), and has an allele count higher than expected for a pathogenic variant. This variant has been observed in individual(s) with congenital secretory chloride diarrhea (PMID: 8896562, 21394828). It has also been observed to segregate with disease in related individuals. ClinVar contains an entry for this variant (Variation ID: 16754). Algorithms developed to predict the effect of variants on gene product structure and function are not available or were not evaluated for this variant. Experimental studies have shown that this variant affects SLC26A3 function (PMID: 9886994). For these reasons, this variant has been classified as Pathogenic.

Fulgent Genetics
Classification: Pathogenic for Congenital secretory diarrhea, chloride type. Last evaluated: 2024-05-29. Review status: criteria provided, single submitter. Criteria: ACMG Guidelines, 2015. Collection method: clinical testing. Allele origin: germline.

Women's Health and Genetics/Laboratory Corporation of America, LabCorp
Classification: Pathogenic for Congenital secretory diarrhea, chloride type. Last evaluated: 2024-05-24. Review status: criteria provided, single submitter. Criteria: LabCorp Variant Classification Summary - May 2015. Collection method: clinical testing. Allele origin: germline.
Comment: Variant summary: SLC26A3 c.951_953delGGT (p.Val318del) results in an in-frame deletion that is predicted to remove 1 amino acid from the encoded protein. The variant allele was found at a frequency of 0.00047 in 251340 control chromosomes. This frequency is not significantly higher than estimated for a pathogenic variant in SLC26A3 causing Congenital secretory diarrhea, chloride type, allowing no conclusion about variant significance. c.951_953delGGT has been reported in the literature in multiple individuals affected with Congenital secretory diarrhea (example, Hoglund_1996). These data indicate that the variant is very likely to be associated with disease. At least one publication reports experimental evidence evaluating an impact on protein function. The most pronounced variant effect results in 30%-50% of normal transporter activity in Xenopus Oocytes (Moseley_1999). The following publications have been ascertained in the context of this evaluation (PMID: 8896562, 9886994). ClinVar contains an entry for this variant (Variation ID: 16754). Based on the evidence outlined above, the variant was classified as pathogenic.

Reproductive Health Research and Development, BGI Genomics
Classification: Pathogenic for Congenital secretory diarrhea, chloride type. Last evaluated: 2020-01-06. Review status: no assertion criteria provided. Collection method: curation. Allele origin: germline. Not counted in ClinVar's aggregate classification.
Comment: NM_000111.2:c.951_953delGGT in the SLC26A3 gene has an allele frequency of 0.005 in European (Finnish) subpopulation in the gnomAD database. The SLC26A3 c.951_953delGGT (p.Val318del) variant has been reported as a Finnish founder mutation, which has been detected in 45 patients (PMID: 21394828). The mouse p.V318del-homologue mutant (p.V310del) is retained in the endoplasmic reticulum, failing to show any expression on the apical plasma membrane (PMID: 21394828). Taken together, we interprete this variant as Pathogenic/Likely pathogenic. ACMG/AMP Criteria applied: PS4; PM4; PS3.

OMIM
Classification: Pathogenic for DIARRHEA 1, SECRETORY CHLORIDE, CONGENITAL. Last evaluated: 1996-11-01. Review status: no assertion criteria provided. Collection method: literature only. Allele origin: germline. Not counted in ClinVar's aggregate classification.

Juha Muilu Group; Institute for Molecular Medicine Finland (FIMM)
Classification: Pathogenic for Congenital secretory diarrhea, chloride type. Review status: no assertion criteria provided. Collection method: not provided. Allele origin: unknown. Not counted in ClinVar's aggregate classification.
Comment: FinDis database variant: This variant was not found or characterized by our laboratory, data were collected from public sources: see reference
ClinVar note: Converted during submission from pathogenic to Pathogenic.

Literature cited by the submitters: PubMed 8896562 (cited by 3 submitters); PubMed 21394828 (cited by Labcorp Genetics (formerly Invitae), Labcorp); PubMed 9886994 (cited by Labcorp Genetics (formerly Invitae), Labcorp and Women's Health and Genetics/Laboratory Corporation of America, LabCorp).